The following is an entry in ClinVar:

ClinVar aggregate classification (germline): Pathogenic (1 of 4 stars; one submission).

Conditions:
X-linked agammaglobulinemia with growth hormone deficiency (IGHD3). Also called: AGAMMAGLOBULINEMIA AND ISOLATED GROWTH HORMONE DEFICIENCY, X-LINKED; FLEISHER SYNDROME; HYPOGAMMAGLOBULINEMIA AND ISOLATED GROWTH HORMONE DEFICIENCY, X-LINKED; IGHD III; Isolated growth hormone deficiency type 3; Growth hormone deficiency with hypogammaglobulinemia. Identifiers: Orphanet 231692, Orphanet 631, MedGen C0472813, MONDO:0010615, OMIM 307200.

Submission:

Labcorp Genetics (formerly Invitae), Labcorp
Classification: Pathogenic for X-linked agammaglobulinemia with growth hormone deficiency. Last evaluated: 2025-04-11. Review status: criteria provided, single submitter. Criteria: Invitae Variant Classification Sherloc (09022015). Collection method: clinical testing. Allele origin: germline.
Comment: This sequence change creates a premature translational stop signal (p.Tyr142*) in the BTK gene. It is expected to result in an absent or disrupted protein product. Loss-of-function variants in BTK are known to be pathogenic (PMID: 15661032, 16862044, 19419768). This variant is not present in population databases (gnomAD no frequency). This premature translational stop signal has been observed in individual(s) with agammaglobulinemia (PMID: 8695804). For these reasons, this variant has been classified as Pathogenic.

Literature cited by the submitters: PubMed 15661032; PubMed 16862044; PubMed 19419768; PubMed 8695804.

NM_000061.3(BTK):c.425dup (p.Tyr142Ter)

Gene: BTK (Bruton tyrosine kinase; minus strand). Cytogenetic location: Xq22.1.
Variant type: Duplication.
Coding change: c.425dup on transcript NM_000061.3 (MANE Select); coding-DNA position 425, one base duplicated (A; older notation c.425dupA).
Protein change: p.Tyr142Ter; replaces tyrosine 142 with a stop codon.
Molecular consequence: nonsense.
Genome position (GRCh38, 1-based): chrX:101,362,656, T duplicated on the plus strand (A on the coding strand, the reverse complement: BTK is on the minus strand). VCF-style (leftmost placement, unchanged base first): chrX-101362655-A-AT. GRCh37 (hg19) VCF-style: chrX-100617643-A-AT.
Other names: c.527dup, p.Tyr176Ter (NM_001287344.2); c.425dup, p.Tyr142Ter (NM_001287345.2); short protein forms Y142*, Y176*.
Identifiers: ClinVar variation 4767939 (VCV004767939.1).